The following is an entry in ClinVar:

ClinVar aggregate classification (germline): Uncertain significance (1 of 4 stars; one submission).

Conditions:
Muscular dystrophy-dystroglycanopathy type B6 (MDDGB6). Also called: MUSCULAR DYSTROPHY-DYSTROGLYCANOPATHY (CONGENITAL WITH IMPAIRED INTELLECTUAL DEVELOPMENT), TYPE B, 6; MUSCULAR DYSTROPHY, CONGENITAL, LARGE-RELATED; MUSCULAR DYSTROPHY, CONGENITAL, TYPE 1D. Identifiers: MedGen C1837229, MONDO:0012138, OMIM 608840.

gnomAD v4.1: 30 of 1,612,158 alleles (0.0019%); highest among the groups gnomAD compares: Admixed American, 0.045%; no homozygotes.

Submission:

Labcorp Genetics (formerly Invitae), Labcorp
Classification: Uncertain significance for Muscular dystrophy-dystroglycanopathy type B6. Last evaluated: 2024-05-25. Review status: criteria provided, single submitter. Criteria: Invitae Variant Classification Sherloc (09022015). Collection method: clinical testing. Allele origin: germline.
Comment: This sequence change replaces serine, which is neutral and polar, with isoleucine, which is neutral and non-polar, at codon 84 of the LARGE1 protein (p.Ser84Ile). This variant is present in population databases (rs398124184, gnomAD 0.07%). This variant has not been reported in the literature in individuals affected with LARGE1-related conditions. ClinVar contains an entry for this variant (Variation ID: 464474). An algorithm developed to predict the effect of missense changes on protein structure and function (PolyPhen-2) suggests that this variant is likely to be disruptive. In summary, the available evidence is currently insufficient to determine the role of this variant in disease. Therefore, it has been classified as a Variant of Uncertain Significance.

NM_133642.5(LARGE1):c.251G>T (p.Ser84Ile)

Gene: LARGE1 (LARGE xylosyl- and glucuronyltransferase 1; minus strand). Cytogenetic location: 22q12.3.
Variant type: single nucleotide variant.
Coding change: c.251G>T on transcript NM_133642.5 (MANE Select); coding-DNA position 251, G replaced by T.
Protein change: p.Ser84Ile; replaces serine 84 with isoleucine.
Molecular consequence: missense variant.
Genome position (GRCh38, 1-based): chr22:33,650,524, C>A on the plus strand (G>T on the coding strand, the complement: LARGE1 is on the minus strand). VCF-style: chr22-33650524-C-A. GRCh37 (hg19) VCF-style: chr22-34046510-C-A.
Other names: c.251G>T, p.Ser84Ile (NM_001362949.2, NM_001362951.2, NM_001362953.2 and 7 more transcripts); short protein forms S84I.
Identifiers: ClinVar variation 464474 (VCV000464474.7), dbSNP rs398124184, ClinGen allele CA10203110.